The following is an entry in ClinVar:

NM_001041.4(SI):c.196G>A (p.Val66Met)

Gene: SI (sucrase-isomaltase; minus strand). Cytogenetic location: 3q26.1.
Variant type: single nucleotide variant.
Coding change: c.196G>A on transcript NM_001041.4 (MANE Select); coding-DNA position 196, G replaced by A.
Protein change: p.Val66Met; replaces valine 66 with methionine.
Molecular consequence: missense variant.
Genome position (GRCh38, 1-based): chr3:165,074,590, C>T on the plus strand (G>A on the coding strand, the complement: SI is on the minus strand). VCF-style: chr3-165074590-C-T. GRCh37 (hg19) VCF-style: chr3-164792378-C-T.
Other names: short protein forms V66M.
Identifiers: ClinVar variation 1463358 (VCV001463358.3), dbSNP rs1338704598, ClinGen allele CA355036715.

ClinVar aggregate classification (germline): Uncertain significance (1 of 4 stars; one submission).

Allele frequency attached by ClinVar (database versions not stated): gnomAD 0.00001; gnomAD exomes 0.00001 and 0.00003; TOPMed 0.00001.
gnomAD v4.1: 44 of 1,610,118 alleles (0.0027%); highest among the groups gnomAD compares: Non-Finnish European, 0.0035%; no homozygotes.

Submission:

Labcorp Genetics (formerly Invitae), Labcorp
Classification: Uncertain significance. Last evaluated: 2022-06-13. Review status: criteria provided, single submitter. Criteria: Invitae Variant Classification Sherloc (09022015). Collection method: clinical testing. Allele origin: germline.
Comment: This sequence change replaces valine, which is neutral and non-polar, with methionine, which is neutral and non-polar, at codon 66 of the SI protein (p.Val66Met). This variant is present in population databases (no rsID available, gnomAD 0.0009%). This variant has not been reported in the literature in individuals affected with SI-related conditions. Advanced modeling of protein sequence and biophysical properties (such as structural, functional, and spatial information, amino acid conservation, physicochemical variation, residue mobility, and thermodynamic stability) performed at Invitae indicates that this missense variant is not expected to disrupt SI protein function. In summary, the available evidence is currently insufficient to determine the role of this variant in disease. Therefore, it has been classified as a Variant of Uncertain Significance.